The following is an entry in ClinVar:

NM_138295.5(PKD1L1):c.1071dup (p.His358fs)

Gene: PKD1L1 (polycystin 1 like 1, transient receptor potential channel interacting; minus strand). Cytogenetic location: 7p12.3.
Variant type: Duplication.
Coding change: c.1071dup on transcript NM_138295.5 (MANE Select); coding-DNA position 1071, one base duplicated (T; older notation c.1071dupT).
Protein change: p.His358fs; shifts the reading frame from histidine 358.
Molecular consequence: frameshift variant.
Genome position (GRCh38, 1-based): chr7:47,915,589, A duplicated on the plus strand (T on the coding strand, the reverse complement: PKD1L1 is on the minus strand); the first of 8 consecutive A bases (chr7:47,915,589-47,915,596); duplicating any one gives the same sequence. VCF-style (leftmost placement, unchanged base first): chr7-47915588-G-GA. GRCh37 (hg19) VCF-style: chr7-47955185-G-GA.
Other names: c.1071dupT (NM_138295.3); short protein forms H358fs.
Identifiers: ClinVar variation 2197148 (VCV002197148.5), dbSNP rs544774439, ClinGen allele CA4254156.

ClinVar aggregate classification (germline): Pathogenic. Review status: criteria provided, single submitter (1 of 4 stars). 2 submissions from 2 submitters: Pathogenic (1). 1 of the submissions does not count toward it. Last evaluated 2023-07-27.

Conditions:
PKD1L1-related disorder. Also called: PKD1L1-related condition.

Submissions (2):

Labcorp Genetics (formerly Invitae), Labcorp
Classification: Pathogenic. Last evaluated: 2023-07-27. Review status: criteria provided, single submitter. Criteria: Invitae Variant Classification Sherloc (09022015). Collection method: clinical testing. Allele origin: germline.
Comment: For these reasons, this variant has been classified as Pathogenic. ClinVar contains an entry for this variant (Variation ID: 2197148). This variant has not been reported in the literature in individuals affected with PKD1L1-related conditions. The frequency data for this variant in the population databases is considered unreliable, as metrics indicate poor data quality at this position in the gnomAD database. This sequence change creates a premature translational stop signal (p.His358Serfs*30) in the PKD1L1 gene. It is expected to result in an absent or disrupted protein product. Loss-of-function variants in PKD1L1 are known to be pathogenic (PMID: 27616478).

PreventionGenetics, part of Exact Sciences
Classification: Likely pathogenic for PKD1L1-related condition. Last evaluated: 2024-03-09. Review status: no assertion criteria provided. Collection method: clinical testing. Allele origin: germline. Not counted in ClinVar's aggregate classification.
Comment: The PKD1L1 c.1071dupT variant is predicted to result in a frameshift and premature protein termination (p.His358Serfs*30). To our knowledge, this variant has not been reported in the literature. This variant is reported in 0.017% of alleles in individuals of Latino descent in gnomAD. Frameshift variants in PKD1L1 are expected to be pathogenic. This variant is interpreted as likely pathogenic.

Literature cited by the submitters: PubMed 27616478 (cited by Labcorp Genetics (formerly Invitae), Labcorp).